The following is an entry in ClinVar:

NM_020738.4(KIDINS220):c.1643G>A (p.Arg548Gln)

Gene: KIDINS220 (kinase D interacting substrate 220; minus strand). Cytogenetic location: 2p25.1.
Variant type: single nucleotide variant.
Coding change: c.1643G>A on transcript NM_020738.4 (MANE Select); coding-DNA position 1643, G replaced by A.
Protein change: p.Arg548Gln; replaces arginine 548 with glutamine.
Molecular consequence: missense variant. On other transcripts: non-coding transcript variant (2).
Genome position (GRCh38, 1-based): chr2:8,788,791, C>T on the plus strand (G>A on the coding strand, the complement: KIDINS220 is on the minus strand). VCF-style: chr2-8788791-C-T. GRCh37 (hg19) VCF-style: chr2-8928921-C-T.
Other names: c.1646G>A, p.Arg549Gln (NM_001348729.2, NM_001348731.2, NM_001348734.2 and 3 more transcripts); c.1643G>A, p.Arg548Gln (NM_001348732.2, NM_001348735.2, NM_001348738.2 and 3 more transcripts); c.1517G>A, p.Arg506Gln (NM_001348736.2); c.1643G>A (NM_020738.2); short protein forms R549Q, R506Q, R548Q.
Identifiers: ClinVar variation 4745711 (VCV004745711.2).
Genomic context (GRCh38, chr2:8,788,791, plus strand): 5'-ATATGTCTTGCCAATCTAGTGCTGAGGACCCAGGCCCAATTCCAACTCTCTCCTTCTCTT[C>T]GTCCACCAAAGTAAATGACAACTGAAATTCACAGTTTAAAAAAGTTATCCAAAGCAGTCA-3'
Protein context (NP_065789.1, residues 538-558): IFFIVIYFGG[Arg548Gln]REGESWNWAW

ClinVar aggregate classification (germline): Uncertain significance. Review status: criteria provided, multiple submitters, no conflicts (2 of 4 stars). 2 submissions from 2 submitters: Uncertain significance (2). Last evaluated 2025-10-29.

Conditions:
KIDINS220-related disorder. Also called: KIDINS220-related condition.

gnomAD v4.1: 50 of 1,613,466 alleles (0.0031%); highest among the groups gnomAD compares: East Asian, 0.011%; 1 homozygote.

Submissions (2):

PreventionGenetics, part of Exact Sciences
Classification: Uncertain significance for KIDINS220-related condition. Last evaluated: 2025-10-29. Review status: criteria provided, single submitter. Criteria: ACMG Guidelines, 2015. Collection method: clinical testing. Allele origin: germline.
Comment: The KIDINS220 c.1643G>A variant is predicted to result in the amino acid substitution p.Arg548Gln. To our knowledge, this variant has not been reported in the literature. This variant is reported in 0.0083% of alleles in individuals of African descent in gnomAD. At this time, the clinical significance of this variant is uncertain due to the absence of conclusive functional and genetic evidence.

Labcorp Genetics (formerly Invitae), Labcorp
Classification: Uncertain significance. Last evaluated: 2025-06-22. Review status: criteria provided, single submitter. Criteria: Invitae Variant Classification Sherloc (09022015). Collection method: clinical testing. Allele origin: germline.
Comment: This sequence change replaces arginine, which is basic and polar, with glutamine, which is neutral and polar, at codon 548 of the KIDINS220 protein (p.Arg548Gln). This variant is present in population databases (rs200581891, gnomAD 0.008%). This variant has not been reported in the literature in individuals affected with KIDINS220-related conditions. An algorithm developed to predict the effect of missense changes on protein structure and function (PolyPhen-2) suggests that this variant is likely to be tolerated. Algorithms developed to predict the effect of sequence changes on RNA splicing suggest that this variant may disrupt the consensus splice site. In summary, the available evidence is currently insufficient to determine the role of this variant in disease. Therefore, it has been classified as a Variant of Uncertain Significance.